The following is an entry in ClinVar:

ClinVar aggregate classification (germline): Pathogenic (1 of 4 stars; one submission).

Submission:

CeGaT Center for Human Genetics Tuebingen
Classification: Pathogenic. Last evaluated: 2026-03-01. Review status: criteria provided, single submitter. Criteria: CeGaT Center For Human Genetics Tuebingen Variant Classification Criteria Version 2. Collection method: clinical testing. Allele origin: germline. Affected: yes. Observed: 1 variant allele.
Comment: CEP290: PVS1, PM2

NM_025114.4(CEP290):c.6087_6088del (p.His2030fs)

Gene: CEP290 (centrosomal protein 290; minus strand). Cytogenetic location: 12q21.32.
Variant type: Deletion.
Coding change: c.6087_6088del on transcript NM_025114.4 (MANE Select); coding-DNA positions 6087 to 6088, 2 bases deleted (TC; older notation c.6087_6088delTC).
Protein change: p.His2030fs; shifts the reading frame from histidine 2030.
Molecular consequence: frameshift variant.
Genome position (GRCh38, 1-based): chr12:88,068,569-88,068,570, GA deleted on the plus strand (TC on the coding strand, the reverse complement: CEP290 is on the minus strand). VCF-style (leftmost placement, unchanged base first): chr12-88068568-TGA-T. GRCh37 (hg19) VCF-style: chr12-88462345-TGA-T.
Other names: short protein forms H2030fs.
Identifiers: ClinVar variation 4823806 (VCV004823806.4).
Genomic context (GRCh38, chr12:88,068,568, plus strand): 5'-AGATATACACTTACTGAAGGCTTAGAATATGTATCCTTTGAAAACTGTTTTTCTAAAGCA[TGA>T]AGTTTTTCTTGGAGGTATCTATTTTGTAAATGTAAATCTTCTACAACAGAATCTCGAGGA-3'